The following is an entry in ClinVar:

ClinVar aggregate classification (germline): Uncertain significance (1 of 4 stars; one submission).

Submission:

GeneDx
Classification: Uncertain significance. Last evaluated: 2023-07-14. Review status: criteria provided, single submitter. Criteria: GeneDx Variant Classification Process June 2021. Collection method: clinical testing. Allele origin: germline. Affected: yes.
Comment: Not observed at significant frequency in large population cohorts (gnomAD); In silico analysis supports that this missense variant does not alter protein structure/function; Has not been previously published as pathogenic or benign to our knowledge

NM_030632.3(ASXL3):c.5563A>G (p.Lys1855Glu)

Gene: ASXL3 (ASXL transcriptional regulator 3; plus strand). Cytogenetic location: 18q12.1.
Variant type: single nucleotide variant.
Coding change: c.5563A>G on transcript NM_030632.3 (MANE Select); coding-DNA position 5563, A replaced by G.
Protein change: p.Lys1855Glu; replaces lysine 1855 with glutamic acid.
Molecular consequence: missense variant.
Genome position (GRCh38, 1-based): chr18:33,745,411, A>G. VCF-style: chr18-33745411-A-G. GRCh37 (hg19) VCF-style: chr18-31325375-A-G.
Other names: short protein forms K1855E.
Identifiers: ClinVar variation 3361137 (VCV003361137.1).